The following is an entry in ClinVar:

NM_024598.4(USB1):c.74G>C (p.Arg25Thr)

Genes: USB1 (U6 snRNA biogenesis phosphodiesterase 1; plus strand), LOC130059131 (ATAC-STARR-seq lymphoblastoid active region 10920; plus strand). Cytogenetic location: 16q21.
Variant type: single nucleotide variant.
Coding change: c.74G>C on transcript NM_024598.4 (MANE Select); coding-DNA position 74, G replaced by C.
Protein change: p.Arg25Thr; replaces arginine 25 with threonine.
Molecular consequence: missense variant. On other transcripts: intron variant (1).
Genome position (GRCh38, 1-based): chr16:58,001,557, G>C. VCF-style: chr16-58001557-G-C. GRCh37 (hg19) VCF-style: chr16-58035461-G-C.
Other names: c.74G>C, p.Arg25Thr (NM_001195302.2, NM_001204911.2, NM_001330569.2); c.-55-922G>C (NM_001330568.2); c.74G>C (NM_024598.3); short protein forms R25T.
Identifiers: ClinVar variation 1409669 (VCV001409669.34), dbSNP rs772792606, ClinGen allele CA8084781.
Genomic context (GRCh38, chr16:58,001,557, plus strand): 5'-CCCTGGTGGGCTACAGCAGCAGCGGCTCCGAGGATGAGTCCGAGGACGGGATGCGGACCA[G>C]GCCGGGGGATGGGAGCCACCGTCGGTGAGGAGTGAGGAAGTCTCTCCGGAGGGCGCGCGC-3'
Protein context (NP_078874.2, residues 15-35): EDESEDGMRT[Arg25Thr]PGDGSHRRGQ

ClinVar aggregate classification (germline): Uncertain significance. Review status: criteria provided, multiple submitters, no conflicts (2 of 4 stars). 6 submissions from 6 submitters: Uncertain significance (6). Last evaluated 2025-08-11.

Conditions:
Poikiloderma with neutropenia (PN). Identifiers: Orphanet 221046, MedGen C1858723, MONDO:0011405, OMIM 604173.
Inborn genetic diseases. Identifiers: MedGen C0950123, MeSH D030342.

Allele frequency attached by ClinVar (database versions not stated): ExAC 0.00011.
gnomAD v4.1: 61 of 1,609,140 alleles (0.0038%); highest among the groups gnomAD compares: Non-Finnish European, 0.0043%; no homozygotes.

Submissions (6):

Labcorp Genetics (formerly Invitae), Labcorp
Classification: Uncertain significance. Last evaluated: 2025-08-11. Review status: criteria provided, single submitter. Criteria: Invitae Variant Classification Sherloc (09022015). Collection method: clinical testing. Allele origin: germline.
Comment: This sequence change replaces arginine, which is basic and polar, with threonine, which is neutral and polar, at codon 25 of the USB1 protein (p.Arg25Thr). This variant is present in population databases (rs772792606, gnomAD 0.009%). This variant has not been reported in the literature in individuals affected with USB1-related conditions. ClinVar contains an entry for this variant (Variation ID: 1409669). An algorithm developed to predict the effect of missense changes on protein structure and function (PolyPhen-2) suggests that this variant is likely to be tolerated. In summary, the available evidence is currently insufficient to determine the role of this variant in disease. Therefore, it has been classified as a Variant of Uncertain Significance.

GeneDx
Classification: Uncertain significance. Last evaluated: 2025-04-23. Review status: criteria provided, single submitter. Criteria: GeneDx Variant Classification Process June 2021. Collection method: clinical testing. Allele origin: germline. Affected: yes.
Comment: In silico analysis indicates that this missense variant does not alter protein structure/function; Has not been previously published as pathogenic or benign to our knowledge

Ambry Genetics
Classification: Uncertain significance for Inborn genetic diseases. Last evaluated: 2025-03-25. Review status: criteria provided, single submitter. Criteria: Ambry Variant Classification Scheme 2023. Collection method: clinical testing. Allele origin: germline.

St. Jude Molecular Pathology, St. Jude Children's Research Hospital
Classification: Uncertain significance for Poikiloderma with neutropenia. Last evaluated: 2024-08-05. Review status: criteria provided, single submitter. Criteria: St. Jude Assertion Criteria 2020. Collection method: clinical testing. Allele origin: germline.
Comment: The USB1 c.74G>C (p.Arg25Thr) missense change has a maximum subpopulation frequency of 0.0075% in gnomAD v2.1.1. The in silico tool REVEL predicts a benign effect on protein function, but to our knowledge this prediction has not been confirmed by functional studies. To our knowledge, this variant has not been reported in individuals with USB1-associated disorders. In summary, the evidence currently available is insufficient to determine the clinical significance of this variant. It has therefore been classified as of uncertain significance.

Fulgent Genetics
Classification: Uncertain significance for Poikiloderma with neutropenia. Last evaluated: 2024-01-19. Review status: criteria provided, single submitter. Criteria: ACMG Guidelines, 2015. Collection method: clinical testing. Allele origin: germline.

CeGaT Center for Human Genetics Tuebingen
Classification: Uncertain significance. Last evaluated: 2023-10-01. Review status: criteria provided, single submitter. Criteria: CeGaT Center For Human Genetics Tuebingen Variant Classification Criteria Version 2. Collection method: clinical testing. Allele origin: germline. Affected: yes. Observed: 1 variant allele.
Comment: USB1: PM2